The following is an entry in ClinVar:

ClinVar aggregate classification (germline): Likely benign. Review status: criteria provided, multiple submitters, no conflicts (2 of 4 stars). 5 submissions from 5 submitters: Likely benign (5). Last evaluated 2023-08-19.

Conditions:
Hypertrophic cardiomyopathy 1 (CMH1). Also called: Familial hypertrophic cardiomyopathy 1; MYH7-Related Familial Hypertrophic Cardiomyopathy. Identifiers: MedGen C3495498, MONDO:0008647, OMIM 192600.

Allele frequency attached by ClinVar (database versions not stated): ExAC 0.00001; gnomAD 0.00001; TOPMed 0.00001.
gnomAD v4.1: 12 of 1,613,354 alleles (0.00074%); highest among the groups gnomAD compares: East Asian, 0.0067%; no homozygotes.

Submissions (5):

Women's Health and Genetics/Laboratory Corporation of America, LabCorp
Classification: Likely benign. Last evaluated: 2023-08-19. Review status: criteria provided, single submitter. Criteria: LabCorp Variant Classification Summary - May 2015. Collection method: clinical testing. Allele origin: germline.

Labcorp Genetics (formerly Invitae), Labcorp
Classification: Likely benign for Hypertrophic cardiomyopathy 1. Last evaluated: 2022-11-15. Review status: criteria provided, single submitter. Criteria: Invitae Variant Classification Sherloc (09022015). Collection method: clinical testing. Allele origin: germline.

Ambry Genetics
Classification: Likely benign. Last evaluated: 2022-05-11. Review status: criteria provided, single submitter. Criteria: Ambry Variant Classification Scheme 2023. Collection method: clinical testing. Allele origin: germline.

Blueprint Genetics
Classification: Likely benign. Last evaluated: 2020-03-17. Review status: criteria provided, single submitter. Criteria: ACMG Guidelines, 2015. Collection method: clinical testing. Allele origin: germline.

GeneDx
Classification: Likely benign. Last evaluated: 2017-07-25. Review status: criteria provided, single submitter. Criteria: GeneDx Variant Classification (06012015). Collection method: clinical testing. Allele origin: germline. Affected: yes.
Comment: This variant is considered likely benign or benign based on one or more of the following criteria: it is a conservative change, it occurs at a poorly conserved position in the protein, it is predicted to be benign by multiple in silico algorithms, and/or has population frequency not consistent with disease.

NM_033118.4(MYLK2):c.1764G>A (p.Ser588=)

Gene: MYLK2 (myosin light chain kinase 2; plus strand). Cytogenetic location: 20q11.21.
Variant type: single nucleotide variant.
Coding change: c.1764G>A on transcript NM_033118.4 (MANE Select); coding-DNA position 1764, G replaced by A.
Protein change: p.Ser588=; no amino-acid change (serine 588 retained).
Molecular consequence: synonymous variant.
Genome position (GRCh38, 1-based): chr20:31,833,770, G>A. VCF-style: chr20-31833770-G-A. GRCh37 (hg19) VCF-style: chr20-30421573-G-A.
Identifiers: ClinVar variation 511051 (VCV000511051.14), dbSNP rs758879929, ClinGen allele CA9803330.